The following is an entry in ClinVar:

ClinVar aggregate classification (germline): Pathogenic (1 of 4 stars; one submission).

Conditions:
Leigh syndrome (NULS). Also called: Leigh's necrotizing encephalopathy; Leigh's disease; Leigh Syndrome (mtDNA deletion); Leigh Disease; Subacute necrotizing encephalopathy; Necrotizing encephalopathy infantile subacute of Leigh. Identifiers: Orphanet 506, MedGen C2931891, MONDO:0009723, OMIM 256000.

Submission:

Labcorp Genetics (formerly Invitae), Labcorp
Classification: Pathogenic for Leigh syndrome. Last evaluated: 2022-05-12. Review status: criteria provided, single submitter. Criteria: Invitae Variant Classification Sherloc (09022015). Collection method: clinical testing. Allele origin: germline.
Comment: This variant has not been reported in the literature in individuals affected with SURF1-related conditions. This variant is not present in population databases (gnomAD no frequency). This sequence change creates a premature translational stop signal (p.Lys194Argfs*4) in the SURF1 gene. It is expected to result in an absent or disrupted protein product. Loss-of-function variants in SURF1 are known to be pathogenic (PMID: 10443880, 22488715, 24027061). For these reasons, this variant has been classified as Pathogenic.

Literature cited by the submitters: PubMed 10443880; PubMed 22488715; PubMed 24027061.

NM_003172.4(SURF1):c.581_582del (p.Lys194fs)

Gene: SURF1 (SURF1 cytochrome c oxidase assembly factor; minus strand). Cytogenetic location: 9q34.2.
Variant type: Deletion.
Coding change: c.581_582del on transcript NM_003172.4 (MANE Select); coding-DNA positions 581 to 582, 2 bases deleted (AA; older notation c.581_582delAA).
Protein change: p.Lys194fs; shifts the reading frame from lysine 194.
Molecular consequence: frameshift variant.
Genome position (GRCh38, 1-based): chr9:133,352,700-133,352,701, TT deleted on the plus strand (AA on the coding strand, the reverse complement: SURF1 is on the minus strand); deleting any 2 consecutive bases within chr9:133,352,700-133,352,702 gives the same sequence; the c. name uses the placement nearest the transcript's 3' end. VCF-style (leftmost placement, unchanged base first): chr9-133352699-CTT-C. GRCh37 (hg19) VCF-style: chr9-136219554-CTT-C.
Other names: c.254_255del, p.Lys85fs (NM_001280787.1); short protein forms K85fs, K194fs.
Identifiers: ClinVar variation 1993665 (VCV001993665.4), dbSNP rs2490616704, ClinGen allele CA2580079924.